The following is an entry in ClinVar:

ClinVar aggregate classification (germline): Uncertain significance (1 of 4 stars; one submission).

gnomAD v4.1: 1 of 1,614,102 alleles (0.000062%); highest among the groups gnomAD compares: Non-Finnish European, 0.000085%; no homozygotes.

Submission:

GeneDx
Classification: Uncertain significance. Last evaluated: 2024-09-06. Review status: criteria provided, single submitter. Criteria: GeneDx Variant Classification Process June 2021. Collection method: clinical testing. Allele origin: germline. Affected: yes.
Comment: Not observed at significant frequency in large population cohorts (gnomAD); In silico analysis indicates that this missense variant does not alter protein structure/function; Has not been previously published as pathogenic or benign to our knowledge

NM_017852.5(NLRP2):c.2150G>A (p.Arg717Lys)

Gene: NLRP2 (NLR family pyrin domain containing 2; plus strand). Cytogenetic location: 19q13.42.
Variant type: single nucleotide variant.
Coding change: c.2150G>A on transcript NM_017852.5 (MANE Select); coding-DNA position 2150, G replaced by A.
Protein change: p.Arg717Lys; replaces arginine 717 with lysine.
Molecular consequence: missense variant. On other transcripts: non-coding transcript variant (1).
Genome position (GRCh38, 1-based): chr19:54,985,166, G>A. VCF-style: chr19-54985166-G-A. GRCh37 (hg19) VCF-style: chr19-55496534-G-A.
Other names: c.2150G>A, p.Arg717Lys (NM_001174081.3); c.2084G>A, p.Arg695Lys (NM_001174082.3); c.2081G>A, p.Arg694Lys (NM_001174083.2); c.2141G>A, p.Arg714Lys (NM_001348003.2); short protein forms R694K, R695K, R714K, R717K.
Identifiers: ClinVar variation 3767481 (VCV003767481.1).